The following is an entry in ClinVar:

ClinVar aggregate classification (germline): Uncertain significance. Review status: criteria provided, multiple submitters, no conflicts (2 of 4 stars). 2 submissions from 2 submitters: Uncertain significance (2). Last evaluated 2025-12-01.

Conditions:
AHDC1-related intellectual disability - obstructive sleep apnea - mild dysmorphism syndrome. Also called: Xia-Gibbs syndrome. Identifiers: Orphanet 412069, MedGen C4014419, MONDO:0014358, OMIM 615829.

gnomAD v4.1: 7 of 1,613,688 alleles (0.00043%); highest among the groups gnomAD compares: African/African-American, 0.0027%; no homozygotes.

Submissions (2):

CeGaT Center for Human Genetics Tuebingen
Classification: Uncertain significance. Last evaluated: 2025-12-01. Review status: criteria provided, single submitter. Criteria: CeGaT Center For Human Genetics Tuebingen Variant Classification Criteria Version 2. Collection method: clinical testing. Allele origin: germline. Affected: yes. Observed: 1 variant allele.

Baylor Genetics
Classification: Uncertain significance for AHDC1-related intellectual disability - obstructive sleep apnea - mild dysmorphism syndrome. Last evaluated: 2019-07-16. Review status: criteria provided, single submitter. Criteria: ACMG Guidelines, 2015. Collection method: clinical testing. Allele origin: unknown. Affected: yes.
Comment: This variant was determined to be of uncertain significance according to ACMG Guidelines, 2015 [PMID:25741868].

NM_001371928.1(AHDC1):c.724G>A (p.Ala242Thr)

Gene: AHDC1 (AT-hook DNA binding motif containing 1; minus strand). Cytogenetic location: 1p36.11.
Variant type: single nucleotide variant.
Coding change: c.724G>A on transcript NM_001371928.1 (MANE Select); coding-DNA position 724, G replaced by A.
Protein change: p.Ala242Thr; replaces alanine 242 with threonine.
Molecular consequence: missense variant.
Genome position (GRCh38, 1-based): chr1:27,551,392, C>T on the plus strand (G>A on the coding strand, the complement: AHDC1 is on the minus strand). VCF-style: chr1-27551392-C-T. GRCh37 (hg19) VCF-style: chr1-27877903-C-T.
Other names: c.724G>A, p.Ala242Thr (NM_001029882.3); short protein forms A242T.
Identifiers: ClinVar variation 1030976 (VCV001030976.6), dbSNP rs772896338, ClinGen allele CA339236348.